The following is an entry in ClinVar:

NM_004972.4(JAK2):c.469-2A>G

Genes: INSL6 (insulin like 6; minus strand), JAK2 (Janus kinase 2; plus strand). Cytogenetic location: 9p24.1.
Variant type: single nucleotide variant.
Coding change: c.469-2A>G on transcript NM_004972.4 (MANE Select); the canonical splice acceptor site of the intron before coding-DNA position 469, A replaced by G.
Molecular consequence: splice acceptor variant.
Genome position (GRCh38, 1-based): chr9:5,050,684, A>G. VCF-style: chr9-5050684-A-G. GRCh37 (hg19) VCF-style: chr9-5050684-A-G.
Other names: c.469-2A>G (NM_001322194.2, NM_001322195.2, NM_001322196.2); c.-652-2A>G (NM_001322198.2, NM_001322199.2); c.22-2A>G (NM_001322204.2).
Identifiers: ClinVar variation 4725317 (VCV004725317.1).

ClinVar aggregate classification (germline): Uncertain significance (1 of 4 stars; one submission).

gnomAD v4.1: 3 of 1,610,276 alleles (0.00019%); highest among the groups gnomAD compares: East Asian, 0.0022%; no homozygotes.

Submission:

Labcorp Genetics (formerly Invitae), Labcorp
Classification: Uncertain significance. Last evaluated: 2025-09-28. Review status: criteria provided, single submitter. Criteria: Invitae Variant Classification Sherloc (09022015). Collection method: clinical testing. Allele origin: germline.
Comment: This sequence change affects an acceptor splice site in intron 5 of the JAK2 gene. It is expected to disrupt RNA splicing. Variants that disrupt the donor or acceptor splice site typically lead to a loss of protein function (PMID: 16199547), however the current clinical and genetic evidence is not sufficient to establish whether loss-of-function variants in JAK2 cause disease. This variant is not present in population databases (gnomAD no frequency). This variant has not been reported in the literature in individuals affected with JAK2-related conditions. Algorithms developed to predict the effect of sequence changes on RNA splicing suggest that this variant may disrupt the consensus splice site. In summary, the available evidence is currently insufficient to determine the role of this variant in disease. Therefore, it has been classified as a Variant of Uncertain Significance.

Literature cited by the submitters: PubMed 16199547.